The following is an entry in ClinVar:

NM_001204.6(BMPR2):c.(1413+1_1414-1)_(*1_?)del

Genes: BMPR2 (bone morphogenetic protein receptor type 2; plus strand), LOC129935436 (ATAC-STARR-seq lymphoblastoid silent region 12245; plus strand). Cytogenetic location: 2q33.2.
Variant type: Deletion.
Coding change: c.(1413+1_1414-1)_(*1_?)del on transcript NM_001204.6; a large deletion whose breakpoints are not mapped to the base.
Other names: c.1414-?_3117+?del (NM_001204.6).
Identifiers: ClinVar variation 425942 (VCV000425942.1).

ClinVar aggregate classification (germline): Pathogenic (0 of 4 stars; one submission).

Conditions:
Pulmonary hypertension, primary, 1 (PPH1). Also called: Pulmonary hypertension, familial primary, 1, with or without HHT. Identifiers: Orphanet 422, MedGen C4552070, MONDO:0024533, OMIM 178600.

Submission:

Rare Disease Genomics Group, St George's University of London
Classification: Pathogenic for Primary pulmonary hypertension. Review status: no assertion criteria provided. Collection method: literature only. Allele origin: germline. Affected: yes.
Comment: Deletion of exons 11-13

Literature cited by the submitters: PubMed 16429403; PubMed 20534176; PubMed 21737554.